The following is an entry in ClinVar:

NM_013275.6(ANKRD11):c.5654G>A (p.Ser1885Asn)

Gene: ANKRD11 (ankyrin repeat domain 11; minus strand). Cytogenetic location: 16q24.3.
Variant type: single nucleotide variant.
Coding change: c.5654G>A on transcript NM_013275.6 (MANE Select); coding-DNA position 5654, G replaced by A.
Protein change: p.Ser1885Asn; replaces serine 1885 with asparagine.
Molecular consequence: missense variant.
Genome position (GRCh38, 1-based): chr16:89,280,888, C>T on the plus strand (G>A on the coding strand, the complement: ANKRD11 is on the minus strand). VCF-style: chr16-89280888-C-T. GRCh37 (hg19) VCF-style: chr16-89347296-C-T.
Other names: c.5654G>A, p.Ser1885Asn (NM_001256182.2, NM_001256183.2); short protein forms S1885N.
Identifiers: ClinVar variation 1203024 (VCV001203024.7), dbSNP rs113110683, ClinGen allele CA286513582.
Genomic context (GRCh38, chr16:89,280,888, plus strand): 5'-CCTTCGAGGGAAGGAACCAGCAGCTCGGCTCTGGGGGAAGGGGAAGGTTTTGCTTGTAAA[C>T]TTGAGAAGACGCCCTCTGGAGACGGGGTGACAGTGACAACGGCAGCCGGTGGGCAGTGCA-3'
Protein context (NP_037407.4, residues 1875-1895): VTPSPEGVFS[Ser1885Asn]LQAKPSPSPR

ClinVar aggregate classification (germline): Conflicting classifications of pathogenicity. Review status: criteria provided, conflicting classifications (1 of 4 stars). 3 submissions from 3 submitters: Uncertain significance (2); Likely benign (1). Last evaluated 2026-05-13.

Conditions:
KBG syndrome (KBGS). Also called: ANKRD11-Related KBG Syndrome. Identifiers: Orphanet 2332, MedGen C0220687, MONDO:0007846, OMIM 148050.

Allele frequency attached by ClinVar (database versions not stated): gnomAD exomes below 0.00001 and 0.00001.
gnomAD v4.1: 5 of 1,604,044 alleles (0.00031%); highest among the groups gnomAD compares: African/African-American, 0.0027%; no homozygotes.

Submissions (3):

Women's Health and Genetics/Laboratory Corporation of America, LabCorp
Classification: Uncertain significance. Last evaluated: 2026-05-13. Review status: criteria provided, single submitter. Criteria: LabCorp Variant Classification Summary - May 2015. Collection method: clinical testing. Allele origin: germline.

Labcorp Genetics (formerly Invitae), Labcorp
Classification: Uncertain significance for KBG syndrome. Last evaluated: 2024-02-20. Review status: criteria provided, single submitter. Criteria: Invitae Variant Classification Sherloc (09022015). Collection method: clinical testing. Allele origin: germline.
Comment: This sequence change replaces serine, which is neutral and polar, with asparagine, which is neutral and polar, at codon 1885 of the ANKRD11 protein (p.Ser1885Asn). This variant is present in population databases (rs113110683, gnomAD 0.007%). This variant has not been reported in the literature in individuals affected with ANKRD11-related conditions. ClinVar contains an entry for this variant (Variation ID: 1203024). Advanced modeling of protein sequence and biophysical properties (such as structural, functional, and spatial information, amino acid conservation, physicochemical variation, residue mobility, and thermodynamic stability) performed at Invitae indicates that this missense variant is not expected to disrupt ANKRD11 protein function with a negative predictive value of 95%. In summary, the available evidence is currently insufficient to determine the role of this variant in disease. Therefore, it has been classified as a Variant of Uncertain Significance.

GeneDx
Classification: Likely benign. Last evaluated: 2020-04-08. Review status: criteria provided, single submitter. Criteria: GeneDx Variant Classification Process June 2021. Collection method: clinical testing. Allele origin: germline. Affected: yes.
Comment: In silico analysis supports that this missense variant does not alter protein structure/function; Has not been previously published as pathogenic or benign to our knowledge